The following is an entry in ClinVar:

ClinVar aggregate classification (germline): Likely pathogenic (1 of 4 stars; one submission).

Conditions:
Osteogenesis imperfecta type 15. Also called: OI, TYPE XV; WNT1-related osteogenesis imperfecta; Osteogenesis imperfecta, type xv. Identifiers: Orphanet 666, MedGen C3808844, MONDO:0014086, OMIM 615220.

Submission:

Laboratory of Medical Genetics, National & Kapodistrian University of Athens
Classification: Likely pathogenic for Osteogenesis imperfecta type 15. Last evaluated: 2021-08-10. Review status: criteria provided, single submitter. Criteria: ACMG Guidelines, 2015. Collection method: clinical testing. Allele origin: unknown. Affected: yes.
Comment: PM2, PP2, PP3, PP4

NM_005430.4(WNT1):c.617G>A (p.Gly206Asp)

Gene: WNT1 (Wnt family member 1; plus strand). Cytogenetic location: 12q13.12.
Variant type: single nucleotide variant.
Coding change: c.617G>A on transcript NM_005430.4 (MANE Select); coding-DNA position 617, G replaced by A.
Protein change: p.Gly206Asp; replaces glycine 206 with aspartic acid.
Molecular consequence: missense variant.
Genome position (GRCh38, 1-based): chr12:48,980,682, G>A. VCF-style: chr12-48980682-G-A. GRCh37 (hg19) VCF-style: chr12-49374465-G-A.
Other names: short protein forms G206D.
Identifiers: ClinVar variation 1299523 (VCV001299523.1), dbSNP rs2137624585, ClinGen allele CA384632791.